The following is an entry in ClinVar:

NM_001244710.2(GFPT1):c.*5001G>A

Gene: GFPT1 (glutamine--fructose-6-phosphate transaminase 1; minus strand). Cytogenetic location: 2p13.3.
Variant type: single nucleotide variant.
Coding change: c.*5001G>A on transcript NM_001244710.2 (MANE Select); 5001 bases downstream of the stop codon, G replaced by A.
Molecular consequence: 3 prime UTR variant.
Genome position (GRCh38, 1-based): chr2:69,321,188, C>T on the plus strand (G>A on the coding strand, the complement: GFPT1 is on the minus strand). VCF-style: chr2-69321188-C-T. GRCh37 (hg19) VCF-style: chr2-69548320-C-T.
Other names: c.*5001G>A (NM_002056.4).
Identifiers: ClinVar variation 336797 (VCV000336797.6), dbSNP rs13396883, ClinGen allele CA10615984.

ClinVar aggregate classification (germline): Benign. Review status: criteria provided, multiple submitters, no conflicts (2 of 4 stars). 2 submissions from 2 submitters: Benign (2). Last evaluated 2018-01-13.

Conditions:
Congenital myasthenic syndrome 12 (CMS12). Also called: MYASTHENIC SYNDROME, CONGENITAL, WITH TUBULAR AGGREGATES 1; Myasthenia, congenital, 12, with tubular aggregates. Identifiers: Orphanet 353327, Orphanet 590, MedGen C3552335, MONDO:0012518, OMIM 610542.

Allele frequency attached by ClinVar (database versions not stated): gnomAD exomes 0.50000; 1000 Genomes Project 0.65875; gnomAD 0.66168 and 0.66919; 1000 Genomes Project 30x 0.66537; TOPMed 0.66975.
gnomAD v4.1: 100,589 of 152,094 alleles (66%); highest among the groups gnomAD compares: African/African-American, 88%; 34,818 homozygotes.

Submissions (2):

Illumina Laboratory Services, Illumina
Classification: Benign for Congenital myasthenic syndrome 12. Last evaluated: 2018-01-13. Review status: criteria provided, single submitter. Criteria: ICSL Variant Classification Criteria 13 December 2019. Collection method: clinical testing. Allele origin: germline.
Comment: This variant was observed in the ICSL laboratory as part of a predisposition screen in an ostensibly healthy population. It had not been previously curated by ICSL or reported in the Human Gene Mutation Database (HGMD: prior to June 1st, 2018), and was therefore a candidate for classification through an automated scoring system. Utilizing variant allele frequency, disease prevalence and penetrance estimates, and inheritance mode, an automated score was calculated to assess if this variant is too frequent to cause the disease. Based on the score and internal cut-off values, a variant classified as benign is not then subjected to further curation. The score for this variant resulted in a classification of benign for this disease.

Breakthrough Genomics
Classification: Benign. Review status: criteria provided, single submitter. Criteria: ACMG Guidelines, 2015. Collection method: not provided. Allele origin: germline. Inheritance: Autosomal recessive inheritance. Affected: yes.